The following is an entry in ClinVar:

NM_181882.3(PRX):c.1529T>C (p.Met510Thr)

Gene: PRX (periaxin; minus strand). Cytogenetic location: 19q13.2.
Variant type: single nucleotide variant.
Coding change: c.1529T>C on transcript NM_181882.3 (MANE Select); coding-DNA position 1529, T replaced by C.
Protein change: p.Met510Thr; replaces methionine 510 with threonine.
Molecular consequence: missense variant. On other transcripts: 3 prime UTR variant (1).
Genome position (GRCh38, 1-based): chr19:40,396,823, A>G on the plus strand (T>C on the coding strand, the complement: PRX is on the minus strand). VCF-style: chr19-40396823-A-G. GRCh37 (hg19) VCF-style: chr19-40902730-A-G.
Other names: c.*1734T>C (NM_020956.2); short protein forms M510T.
Identifiers: ClinVar variation 839298 (VCV000839298.9), dbSNP rs780375180, ClinGen allele CA9444246.

ClinVar aggregate classification (germline): Uncertain significance. Review status: criteria provided, multiple submitters, no conflicts (2 of 4 stars). 2 submissions from 2 submitters: Uncertain significance (2). Last evaluated 2022-09-01.

Conditions:
Charcot-Marie-Tooth disease type 4. Also called: Charcot-Marie-Tooth, Type 4; Charcot-Marie-Tooth disease, type IV. Identifiers: Orphanet 64749, MedGen C4082197, MONDO:0018995.

Allele frequency attached by ClinVar (database versions not stated): gnomAD exomes below 0.00001 and 0.00001; gnomAD 0.00001; TOPMed 0.00001; ExAC 0.00002.
gnomAD v4.1: 5 of 1,613,046 alleles (0.00031%); highest among the groups gnomAD compares: Admixed American, 0.0033%; no homozygotes.

Submissions (2):

Labcorp Genetics (formerly Invitae), Labcorp
Classification: Uncertain significance for Charcot-Marie-Tooth disease type 4. Last evaluated: 2022-09-01. Review status: criteria provided, single submitter. Criteria: Invitae Variant Classification Sherloc (09022015). Collection method: clinical testing. Allele origin: germline.
Comment: This sequence change replaces methionine, which is neutral and non-polar, with threonine, which is neutral and polar, at codon 510 of the PRX protein (p.Met510Thr). This variant is present in population databases (rs780375180, gnomAD 0.0009%). This variant has not been reported in the literature in individuals affected with PRX-related conditions. ClinVar contains an entry for this variant (Variation ID: 839298). Algorithms developed to predict the effect of missense changes on protein structure and function are either unavailable or do not agree on the potential impact of this missense change (SIFT: "Deleterious"; PolyPhen-2: "Benign"; Align-GVGD: "Class C0"). In summary, the available evidence is currently insufficient to determine the role of this variant in disease. Therefore, it has been classified as a Variant of Uncertain Significance.

Mendelics
Classification: Uncertain significance. Last evaluated: 2022-05-04. Review status: criteria provided, single submitter. Criteria: Mendelics Assertion Criteria 2019. Collection method: clinical testing. Allele origin: germline.